The following is an entry in ClinVar:

ClinVar aggregate classification (germline): Uncertain significance (1 of 4 stars; one submission).

Conditions:
Charcot-Marie-Tooth disease type 4. Also called: Charcot-Marie-Tooth disease, type IV; Charcot-Marie-Tooth, Type 4. Identifiers: Orphanet 64749, MedGen C4082197, MONDO:0018995.

Allele frequency attached by ClinVar (database versions not stated): ExAC 0.00001; gnomAD 0.00001; gnomAD exomes 0.00001 and 0.00002; TOPMed 0.00001; 1000 Genomes Project 30x 0.00016; 1000 Genomes Project 0.00020.
gnomAD v4.1: 17 of 1,613,662 alleles (0.0011%); highest among the groups gnomAD compares: East Asian, 0.0089%; no homozygotes.

Submission:

Labcorp Genetics (formerly Invitae), Labcorp
Classification: Uncertain significance for Charcot-Marie-Tooth disease type 4. Last evaluated: 2021-08-30. Review status: criteria provided, single submitter. Criteria: Invitae Variant Classification Sherloc (09022015). Collection method: clinical testing. Allele origin: germline.
Comment: This sequence change replaces isoleucine with threonine at codon 374 of the MTMR2 protein (p.Ile374Thr). The isoleucine residue is moderately conserved and there is a moderate physicochemical difference between isoleucine and threonine. This variant is present in population databases (rs114883605, ExAC 0.01%). This variant has not been reported in the literature in individuals affected with MTMR2-related conditions. Algorithms developed to predict the effect of missense changes on protein structure and function (SIFT, PolyPhen-2, Align-GVGD) all suggest that this variant is likely to be tolerated. In summary, the available evidence is currently insufficient to determine the role of this variant in disease. Therefore, it has been classified as a Variant of Uncertain Significance.

NM_016156.6(MTMR2):c.1121T>C (p.Ile374Thr)

Gene: MTMR2 (myotubularin related protein 2; minus strand). Cytogenetic location: 11q21.
Variant type: single nucleotide variant.
Coding change: c.1121T>C on transcript NM_016156.6 (MANE Select); coding-DNA position 1121, T replaced by C.
Protein change: p.Ile374Thr; replaces isoleucine 374 with threonine.
Molecular consequence: missense variant.
Genome position (GRCh38, 1-based): chr11:95,847,772, A>G on the plus strand (T>C on the coding strand, the complement: MTMR2 is on the minus strand). VCF-style: chr11-95847772-A-G. GRCh37 (hg19) VCF-style: chr11-95580936-A-G.
Other names: c.905T>C, p.Ile302Thr (NM_001243571.2, NM_201278.3, NM_201281.3); short protein forms I302T, I374T.
Identifiers: ClinVar variation 648605 (VCV000648605.6), dbSNP rs114883605, ClinGen allele CA6240097.